The following is an entry in ClinVar:

NM_002474.3(MYH11):c.5429C>A (p.Ser1810Tyr)

Genes: NDE1 (nudE neurodevelopment protein 1; plus strand), MYH11 (myosin heavy chain 11; minus strand). Cytogenetic location: 16p13.11.
Variant type: single nucleotide variant.
Coding change: c.5429C>A on transcript NM_002474.3 (MANE Select); coding-DNA position 5429, C replaced by A.
Protein change: p.Ser1810Tyr; replaces serine 1810 with tyrosine.
Molecular consequence: missense variant. On other transcripts: intron variant (2).
Genome position (GRCh38, 1-based): chr16:15,717,215, G>T on the plus strand (C>A on the coding strand, the complement: MYH11 is on the minus strand). VCF-style: chr16-15717215-G-T. GRCh37 (hg19) VCF-style: chr16-15811072-G-T.
Other names: c.5450C>A, p.Ser1817Tyr (NM_001040113.2, NM_001040114.2); c.5429C>A, p.Ser1810Tyr (NM_022844.3); c.948-6976G>T (NM_001143979.2, NM_017668.3); short protein forms S1810Y, S1817Y.
Identifiers: ClinVar variation 811106 (VCV000811106.8), dbSNP rs1596704556, ClinGen allele CA394848912.

ClinVar aggregate classification (germline): Uncertain significance (1 of 4 stars; one submission).

Conditions:
Aortic aneurysm, familial thoracic 4 (AAT4). Also called: AORTIC ANEURYSM/AORTIC DISSECTION AND PATENT DUCTUS ARTERIOSUS. Identifiers: MedGen C1851504, MONDO:0007568, OMIM 132900.

Submission:

ARUP Laboratories, Molecular Genetics and Genomics, ARUP Laboratories
Classification: Uncertain significance for Aortic aneurysm, familial thoracic 4. Last evaluated: 2018-09-03. Review status: criteria provided, single submitter. Criteria: ARUP Molecular Germline Variant Investigation Process. Collection method: clinical testing. Allele origin: germline.
Comment: The MYH11 c.5429C>A p.Ser1810Tyr variant, to our knowledge, has not been reported in the medical literature or gene specific databases. This variant is also absent from general population databases (1000 Genomes Project, Exome Variant Server, and Genome Aggregation Database), indicating it is not a common polymorphism. The serine at codon 1810 is highly conserved and computational analyses (SIFT, PolyPhen-2) predict that this variant is deleterious. However, based on the available information, the clinical significance of this variant is uncertain.